The following is an entry in ClinVar:

ClinVar aggregate classification (germline): Likely benign. Review status: criteria provided, multiple submitters, no conflicts (2 of 4 stars). 3 submissions from 3 submitters: Likely benign (2). 1 of the submissions does not count toward it. Last evaluated 2025-06-03.

Conditions:
RYR1-related disorder. Also called: RYR1-related condition; RYR1-related disorders. Identifiers: MedGen CN239331.
Malignant hyperthermia, susceptibility to, 1 (MHS1). Also called: Anesthesia related hyperthermia; Malignant hyperpyrexia; Fulminating hyperpyrexia; Pharmacogenic myopathy; RYR1-Related Malignant Hyperthermia Susceptibility; Malignant hyperthermia suceptibility 1. Identifiers: Orphanet 423, MedGen C2930980, MONDO:0007783, OMIM 145600.

Submissions (3):

Color Diagnostics, LLC DBA Color Health
Classification: Likely benign for Malignant hyperthermia, susceptibility to, 1. Last evaluated: 2025-06-03. Review status: criteria provided, single submitter. Criteria: ACMG Guidelines, 2015. Collection method: clinical testing. Allele origin: germline.

GeneDx
Classification: Likely benign. Last evaluated: 2017-12-22. Review status: criteria provided, single submitter. Criteria: GeneDx Variant Classification (06012015). Collection method: clinical testing. Allele origin: germline. Affected: yes.
Comment: This variant is considered likely benign or benign based on one or more of the following criteria: it is a conservative change, it occurs at a poorly conserved position in the protein, it is predicted to be benign by multiple in silico algorithms, and/or has population frequency not consistent with disease.

PreventionGenetics, part of Exact Sciences
Classification: Likely benign for RYR1-related condition. Last evaluated: 2024-03-28. Review status: no assertion criteria provided. Collection method: clinical testing. Allele origin: germline. Not counted in ClinVar's aggregate classification.
Comment: This variant is classified as likely benign based on ACMG/AMP sequence variant interpretation guidelines (Richards et al. 2015 PMID: 25741868, with internal and published modifications).

NM_000540.3(RYR1):c.14647-1450_14647-1449del

Gene: RYR1 (ryanodine receptor 1; plus strand). Cytogenetic location: 19q13.2.
Variant type: Deletion.
Coding change: c.14647-1450_14647-1449del on transcript NM_000540.3 (MANE Select); 1450 bases into the intron before coding-DNA position 14647 through 1449 bases into the intron before coding-DNA position 14647, 2 bases deleted (CA; older notation c.14647-1450_14647-1449delCA).
Molecular consequence: intron variant.
Genome position (GRCh38, 1-based): chr19:38,583,493-38,583,494, CA deleted; deleting any 2 consecutive bases within chr19:38,583,492-38,583,494 gives the same sequence; the c. name uses the placement nearest the transcript's 3' end. VCF-style (leftmost placement, unchanged base first): chr19-38583491-AAC-A. GRCh37 (hg19) VCF-style: chr19-39074131-AAC-A.
Other names: c.14647-1450_14647-1449delCA (NM_000540.2); c.14632-1450_14632-1449del (NM_001042723.2).
Identifiers: ClinVar variation 508361 (VCV000508361.3), dbSNP rs1383477464, ClinGen allele CA632877565.
Genomic context (GRCh38, chr19:38,583,491, plus strand): 5'-TTGCACCACAGCACTCCAGCCTGGGCAACAGAGCAAGACTCTGTCTCAAAAAAAAAAAAA[AAC>A]ATATGTAAAGTTGTTCCCAAATGCCAGGTAGACCATGCTCCCTCCCCACCCCCACTCAGA-3'